The following is an entry in ClinVar:

NM_014908.4(DOLK):c.113T>C (p.Val38Ala)

Gene: DOLK (dolichol kinase; minus strand). Cytogenetic location: 9q34.11.
Variant type: single nucleotide variant.
Coding change: c.113T>C on transcript NM_014908.4 (MANE Select); coding-DNA position 113, T replaced by C.
Protein change: p.Val38Ala; replaces valine 38 with alanine.
Molecular consequence: missense variant.
Genome position (GRCh38, 1-based): chr9:128,947,191, A>G on the plus strand (T>C on the coding strand, the complement: DOLK is on the minus strand). VCF-style: chr9-128947191-A-G. GRCh37 (hg19) VCF-style: chr9-131709470-A-G.
Other names: short protein forms V38A.
Identifiers: ClinVar variation 2169848 (VCV002169848.4), dbSNP rs2492005861, ClinGen allele CA375128410.

ClinVar aggregate classification (germline): Uncertain significance (1 of 4 stars; one submission).

Conditions:
DK1-congenital disorder of glycosylation. Also called: CDG Im; DK1 DEFICIENCY; DOLICHOL KINASE DEFICIENCY; DOLK-congenital disorder of glycosylation; Carbohydrate deficient glycoprotein syndrome type 1m; DK1-CDG. Identifiers: Orphanet 91131, MedGen C1835849, MONDO:0012556, OMIM 610768.

Submission:

Labcorp Genetics (formerly Invitae), Labcorp
Classification: Uncertain significance for DK1-congenital disorder of glycosylation. Last evaluated: 2022-05-17. Review status: criteria provided, single submitter. Criteria: Invitae Variant Classification Sherloc (09022015). Collection method: clinical testing. Allele origin: germline.
Comment: This sequence change replaces valine, which is neutral and non-polar, with alanine, which is neutral and non-polar, at codon 38 of the DOLK protein (p.Val38Ala). This variant is not present in population databases (gnomAD no frequency). This variant has not been reported in the literature in individuals affected with DOLK-related conditions. Algorithms developed to predict the effect of missense changes on protein structure and function are either unavailable or do not agree on the potential impact of this missense change (SIFT: "Tolerated"; PolyPhen-2: "Possibly Damaging"; Align-GVGD: "Class C0"). In summary, the available evidence is currently insufficient to determine the role of this variant in disease. Therefore, it has been classified as a Variant of Uncertain Significance.